The following is an entry in ClinVar:

NM_000618.5(IGF1):c.135T>A (p.Ser45=)

Genes: IGF1 (insulin like growth factor 1; minus strand), LINC02456 (long independently transcribed non-coding RNA 2456; plus strand). Cytogenetic location: 12q23.2.
Variant type: single nucleotide variant.
Coding change: c.135T>A on transcript NM_000618.5 (MANE Select); coding-DNA position 135, T replaced by A.
Protein change: p.Ser45=; no amino-acid change (serine 45 retained).
Molecular consequence: synonymous variant.
Genome position (GRCh38, 1-based): chr12:102,475,728, A>T on the plus strand (T>A on the coding strand, the complement: IGF1 is on the minus strand). VCF-style: chr12-102475728-A-T. GRCh37 (hg19) VCF-style: chr12-102869506-A-T.
Other names: c.135T>A, p.Ser45= (NM_001111283.3, NM_001111285.3, NM_001414005.1 and 1 more transcripts); c.87T>A, p.Ser29= (NM_001111284.2, NM_001414006.1).
Identifiers: ClinVar variation 2643245 (VCV002643245.24), dbSNP rs1880979728, ClinGen allele CA481358324.

ClinVar aggregate classification (germline): Likely benign (1 of 4 stars; one submission).

Submission:

CeGaT Center for Human Genetics Tuebingen
Classification: Likely benign. Last evaluated: 2024-03-01. Review status: criteria provided, single submitter. Criteria: CeGaT Center For Human Genetics Tuebingen Variant Classification Criteria Version 2. Collection method: clinical testing. Allele origin: germline. Affected: yes. Observed: 2 variant alleles.
Comment: IGF1: PM2:Supporting, BP4, BP7